The following is an entry in ClinVar:

NM_024642.5(GALNT12):c.419T>C (p.Val140Ala)

Gene: GALNT12 (polypeptide N-acetylgalactosaminyltransferase 12; plus strand). Cytogenetic location: 9q22.33.
Variant type: single nucleotide variant.
Coding change: c.419T>C on transcript NM_024642.5 (MANE Select); coding-DNA position 419, T replaced by C.
Protein change: p.Val140Ala; replaces valine 140 with alanine.
Molecular consequence: missense variant.
Genome position (GRCh38, 1-based): chr9:98,823,303, T>C. VCF-style: chr9-98823303-T-C. GRCh37 (hg19) VCF-style: chr9-101585585-T-C.
Other names: c.419T>C (NM_024642.4); short protein forms V140A.
Identifiers: ClinVar variation 2675817 (VCV002675817.2), dbSNP rs2490492142, ClinGen allele CA374216626.

ClinVar aggregate classification (germline): Uncertain significance. Review status: criteria provided, multiple submitters, no conflicts (2 of 4 stars). 2 submissions from 2 submitters: Uncertain significance (2). Last evaluated 2025-10-30.

Conditions:
Colorectal cancer, susceptibility to, 1. Also called: COLORECTAL ADENOMA AND CANCER, SUSCEPTIBILITY TO; COLORECTAL CANCER, SUSCEPTIBILITY TO, ON CHROMOSOME 9. Identifiers: MedGen C1837315, MONDO:0012132, OMIM 608812.

Submissions (2):

Ambry Genetics
Classification: Uncertain significance. Last evaluated: 2025-10-30. Review status: criteria provided, single submitter. Criteria: Ambry Variant Classification Scheme 2023. Collection method: clinical testing. Allele origin: germline.
Comment: The p.V140A variant (also known as c.419T>C), located in coding exon 2 of the GALNT12 gene, results from a T to C substitution at nucleotide position 419. The valine at codon 140 is replaced by alanine, an amino acid with similar properties. This amino acid position is conserved. In addition, the in silico prediction for this alteration is inconclusive. Based on the available evidence, the clinical significance of this variant remains unclear.

Baylor Genetics
Classification: Uncertain significance for Colorectal cancer, susceptibility to, 1. Last evaluated: 2023-06-06. Review status: criteria provided, single submitter. Criteria: ACMG Guidelines, 2015. Collection method: clinical testing. Allele origin: unknown.